The following is an entry in ClinVar:

NM_001385.3(DPYS):c.215dup (p.Phe74fs)

Gene: DPYS (dihydropyrimidinase; minus strand). Cytogenetic location: 8q22.3.
Variant type: Duplication.
Coding change: c.215dup on transcript NM_001385.3 (MANE Select); coding-DNA position 215, one base duplicated (T; older notation c.215dupT).
Protein change: p.Phe74fs; shifts the reading frame from phenylalanine 74.
Molecular consequence: frameshift variant.
Genome position (GRCh38, 1-based): chr8:104,466,706, A duplicated on the plus strand (T on the coding strand, the reverse complement: DPYS is on the minus strand); the first of 2 consecutive A bases (chr8:104,466,706-104,466,707); duplicating either gives the same sequence. VCF-style (leftmost placement, unchanged base first): chr8-104466705-G-GA. GRCh37 (hg19) VCF-style: chr8-105478933-G-GA.
Other names: short protein forms F74fs.
Identifiers: ClinVar variation 2838625 (VCV002838625.3), dbSNP rs2537880437, ClinGen allele CA2739268952.

ClinVar aggregate classification (germline): Pathogenic (1 of 4 stars; one submission).

Submission:

Labcorp Genetics (formerly Invitae), Labcorp
Classification: Pathogenic. Last evaluated: 2023-08-04. Review status: criteria provided, single submitter. Criteria: Invitae Variant Classification Sherloc (09022015). Collection method: clinical testing. Allele origin: germline.
Comment: For these reasons, this variant has been classified as Pathogenic. This variant has not been reported in the literature in individuals affected with DPYS-related conditions. This variant is not present in population databases (gnomAD no frequency). This sequence change creates a premature translational stop signal (p.Phe74Leufs*27) in the DPYS gene. It is expected to result in an absent or disrupted protein product. Loss-of-function variants in DPYS are known to be pathogenic (PMID: 20362666).

Literature cited by the submitters: PubMed 20362666.